The following is an entry in ClinVar:

NM_001142800.2(EYS):c.8805C>A (p.Tyr2935Ter)

Genes: EYS (EGF-like photoreceptor maintenance factor; minus strand), PHF3 (PHD finger protein 3; plus strand). Cytogenetic location: 6q12.
Variant type: single nucleotide variant.
Coding change: c.8805C>A on transcript NM_001142800.2 (MANE Select); coding-DNA position 8805, C replaced by A.
Protein change: p.Tyr2935Ter; replaces tyrosine 2935 with a stop codon.
Molecular consequence: nonsense. On other transcripts: 3 prime UTR variant (5).
Genome position (GRCh38, 1-based): chr6:63,721,226, G>T on the plus strand (C>A on the coding strand, the complement: EYS is on the minus strand). VCF-style: chr6-63721226-G-T. GRCh37 (hg19) VCF-style: chr6-64431122-G-T.
Other names: c.*7518G>T (NM_001290259.2, NM_001370348.2, NM_001370349.2 and 2 more transcripts); c.8868C>A, p.Tyr2956Ter (NM_001292009.2); short protein forms Y2935*, Y2956*.
Identifiers: ClinVar variation 143115 (VCV000143115.33), dbSNP rs527236067, ClinGen allele CA270070.

ClinVar aggregate classification (germline): Pathogenic. Review status: criteria provided, multiple submitters, no conflicts (2 of 4 stars). 15 submissions from 15 submitters: Pathogenic (14). 1 of the submissions does not count toward it. Last evaluated 2025-12-18.

Conditions:
EYS-related disorder. Also called: EYS-related condition.
Retinal dystrophy. Also called: Inherited retinal dystrophy. Identifiers: Orphanet 71862, MedGen C0854723, MeSH D058499, MONDO:0019118, HP:0000556.
Retinitis pigmentosa (RP). Identifiers: Orphanet 791, MedGen C0035334, MeSH D012174, MONDO:0019200, OMIM 268000. Inheritance: Autosomal dominant, autosomal recessive and X linked inheritance.
Retinitis pigmentosa 25 (RP25). Identifiers: Orphanet 791, MedGen C1864446, MONDO:0011272, OMIM 602772.

Allele frequency attached by ClinVar (database versions not stated): TOPMed 0.00001; gnomAD 0.00002 and 0.00003; gnomAD exomes 0.00003 and 0.00005.
gnomAD v4.1: 66 of 1,551,654 alleles (0.0043%); highest among the groups gnomAD compares: East Asian, 0.16%; no homozygotes.

Submissions (15):

3billion
Classification: Pathogenic for Retinitis pigmentosa 25. Last evaluated: 2025-12-18. Review status: criteria provided, single submitter. Criteria: ACMG Guidelines, 2015. Collection method: clinical testing. Allele origin: germline. Affected: yes.
Comment: The variant is observed at an extremely low frequency in the gnomAD v4.1.0 dataset (total allele frequency: 0.004%). Predicted Consequence/Location: Stop-gained (nonsense): predicted to result in a loss or disruption of normal protein function through protein truncation. Multiple pathogenic variants are reported in the predicted truncated region. The variant has been reported at least twice as pathogenic with clinical assertions and evidence for the classification (ClinVar ID: VCV000143115 /PMID: 22363543 /3billion dataset). Therefore, this variant is classified as Pathogenic according to the recommendation of ACMG/AMP guideline.

Ophthalmology, Kobe City Eye Hospital
Classification: Pathogenic for Retinitis pigmentosa 25. Last evaluated: 2025-11-28. Review status: criteria provided, single submitter. Criteria: Fujinami et al. (Jpn J Ophthalmol. 2024). Collection method: research. Allele origin: germline. Affected: yes. Observed: 17 variant alleles.
Comment: This variant was classified according to the ACMG/AMP guidelines. PVS1_Strong: This variant is predicted to result in loss of normal protein function through a null mechanism, and loss of function is an established disease mechanism for EYS-associated retinitis pigmentosa. PMIDs: 18836446, 20333770. PM2_Moderate: This variant is absent or extremely rare in large population databases such as gnomAD, supporting rarity consistent with a recessive disorder. PM3_VeryStrong: This variant has been observed in confirmed trans configuration with a pathogenic EYS variant in an affected individual from our cohort, meeting the ClinGen criteria for upgrading PM3 to Very Strong. PP5_NoInfluence: A reputable source has reported this variant as pathogenic; however, the underlying evidence is not independently available for review, and according to ACMG/AMP, PP5 does not contribute to the classification and is noted here for completeness only. Based on PVS1_Strong, PM2_Moderate, and PM3_VeryStrong, this variant is classified as pathogenic.

Natera, Inc.
Classification: Pathogenic for Retinitis pigmentosa type 25. Last evaluated: 2025-09-10. Review status: criteria provided, single submitter. Criteria: Natera Variant Classification Schema (03/2026). Collection method: clinical testing. Allele origin: germline.
Comment: The c.8805C>A variant in EYS is a nonsense variant predicted to introduce a stop codon at amino acid 2935. This variant is expected to result in nonsense mediated decay, truncation, or a dysfunctional protein product. This variant is rare in the general population with a frequency below the threshold expected for the associated phenotype(s). This variant has been observed in one or more individuals affected with the associated recessive disease, as either homozygous or compound heterozygous with a second variant (PMID: 23421333, 25324289). Given the available evidence, this variant is classified as Pathogenic.

PreventionGenetics, part of Exact Sciences
Classification: Pathogenic for EYS-related condition. Last evaluated: 2025-09-03. Review status: criteria provided, single submitter. Criteria: ACMG Guidelines, 2015. Collection method: clinical testing. Allele origin: germline.
Comment: The EYS c.8805C>A variant is predicted to result in premature protein termination (p.Tyr2935*). This variant can also be described as c.8868C>A (p.Tyr2956*) using transcript NM_001292009. This variant has been reported many times in individuals with autosomal recessive retinitis pigmentosa (see for examples Hosono et al. 2012. PubMed ID: 22363543; Katagiri et al. 2014. PubMed ID: 24652164; Dan et al. 2020. PubMed ID: 31960602). This variant is reported in 0.056% of alleles in individuals of East Asian descent in gnomAD. Nonsense variants in EYS are expected to be pathogenic. Given the evidence, we interpret this variant as pathogenic.

GeneDx
Classification: Pathogenic. Last evaluated: 2025-08-11. Review status: criteria provided, single submitter. Criteria: GeneDx Variant Classification Process June 2021. Collection method: clinical testing. Allele origin: germline. Affected: yes.
Comment: Nonsense variant predicted to result in protein truncation, as the last 210 amino acids are lost, and other loss-of-function variants have been reported downstream in HGMD; This variant is associated with the following publications: (PMID: 33629268, 32218477, 24652164, 28763560, 27658286, 29785639, 31054281, 31960602, 32728228, 31964843, 31213501, 36729443, 36819107, 33749171, 33090715, 33946315, 33691693, 34721897, 31814702, 22363543, 35109811, 26161267, 38219857, 25324289)

Labcorp Genetics (formerly Invitae), Labcorp
Classification: Pathogenic. Last evaluated: 2025-07-13. Review status: criteria provided, single submitter. Criteria: Invitae Variant Classification Sherloc (09022015). Collection method: clinical testing. Allele origin: germline.
Comment: This sequence change creates a premature translational stop signal (p.Tyr2935*) in the EYS gene. While this is not anticipated to result in nonsense mediated decay, it is expected to disrupt the last 210 amino acid(s) of the EYS protein. This variant is present in population databases (rs527236067, gnomAD 0.04%). This premature translational stop signal has been observed in individual(s) with retinitis pigmentosa (PMID: 22302105, 22363543, 24652164, 25324289, 26161267). In at least one individual the data is consistent with being in trans (on the opposite chromosome) from a pathogenic variant. It is commonly reported in individuals of Japanese ancestry (PMID: 22302105, 22363543, 24652164, 25324289, 26161267). This variant is also known as c.8868C>A (p.Y2956X). ClinVar contains an entry for this variant (Variation ID: 143115). For these reasons, this variant has been classified as Pathogenic.

Fulgent Genetics
Classification: Pathogenic for Retinitis pigmentosa 25. Last evaluated: 2024-06-12. Review status: criteria provided, single submitter. Criteria: ACMG Guidelines, 2015. Collection method: clinical testing. Allele origin: germline.

Baylor Genetics
Classification: Pathogenic for Retinitis pigmentosa 25. Last evaluated: 2024-03-26. Review status: criteria provided, single submitter. Criteria: ACMG Guidelines, 2015. Collection method: clinical testing. Allele origin: unknown.

Dept Of Ophthalmology, Nagoya University
Classification: Pathogenic for Retinal dystrophy. Last evaluated: 2023-10-01. Review status: criteria provided, single submitter. Criteria: Submitter's publication. Collection method: research. Allele origin: germline. Affected: yes.

Revvity Omics, Revvity
Classification: Pathogenic for Retinitis pigmentosa 25. Last evaluated: 2023-05-19. Review status: criteria provided, single submitter. Criteria: ACMG Guidelines, 2015. Collection method: clinical testing. Allele origin: germline.

Women's Health and Genetics/Laboratory Corporation of America, LabCorp
Classification: Pathogenic for Retinitis pigmentosa. Last evaluated: 2022-12-13. Review status: criteria provided, single submitter. Criteria: LabCorp Variant Classification Summary - May 2015. Collection method: clinical testing. Allele origin: germline.
Comment: Variant summary: EYS c.8805C>A (p.Tyr2935X) results in a premature termination codon, predicted to cause a truncation of the encoded protein or absence of the protein due to nonsense mediated decay, which are commonly known mechanisms for disease. Truncations downstream of this position have been associated with Retinosa Pigmentosa in HGMD. The variant allele was found at a frequency of 3.2e-05 in 156836 control chromosomes. c.8805C>A has been reported in the literature as a homozygous and heterozygous genotype in multiple individuals affected with Retinitis Pigmentosa (Example: Koyanagi_2019 and Oishi_2014 etc.). These data indicate that the variant is very likely to be associated with disease. To our knowledge, no experimental evidence demonstrating an impact on protein function has been reported. Five clinical diagnostic laboratories have submitted clinical-significance assessments for this variant to ClinVar after 2014 without evidence for independent evaluation. All laboratories classified the variant as pathogenic/likely pathogenic. Based on the evidence outlined above, the variant was classified as pathogenic.

Mendelics
Classification: Pathogenic for Retinitis pigmentosa 25. Last evaluated: 2022-05-04. Review status: criteria provided, single submitter. Criteria: Mendelics Assertion Criteria 2019. Collection method: clinical testing. Allele origin: germline.

Blueprint Genetics
Classification: Pathogenic for EYS-related disorders. Last evaluated: 2022-01-20. Review status: criteria provided, single submitter. Criteria: ACMG Guidelines, 2015. Collection method: clinical testing. Allele origin: germline. Affected: yes. Observed: 5 variant alleles.

Juno Genomics, Hangzhou Juno Genomics, Inc
Classification: Pathogenic for Retinitis pigmentosa 25. Review status: criteria provided, single submitter. Criteria: ACMG Guidelines, 2015. Collection method: clinical testing. Allele origin: germline.
Comment: Null variant in a gene where loss of function (LOF) is a known mechanism of disease.;For recessive disorders, detected in trans with a pathogenic variant.;Patient's phenotype or family history is highly specific for a disease with a single genetic etiology.

Department of Ophthalmology and Visual Sciences Kyoto University
Classification: Pathogenic for Retinitis pigmentosa. Review status: no assertion criteria provided. Collection method: not provided. Allele origin: unknown. Not counted in ClinVar's aggregate classification.
ClinVar note: Converted during submission from pathogenic to Pathogenic.

Literature cited by the submitters: PubMed 22363543 (cited by 3billion and Labcorp Genetics (formerly Invitae), Labcorp); 18836446, 20333770 (cited by Ophthalmology, Kobe City Eye Hospital); PubMed 23421333 (cited by Natera, Inc.); PubMed 25324289 (cited by 3 submitters); PubMed 22302105 (cited by Labcorp Genetics (formerly Invitae), Labcorp); PubMed 24652164 (cited by Labcorp Genetics (formerly Invitae), Labcorp); PubMed 26161267 (cited by Labcorp Genetics (formerly Invitae), Labcorp); PubMed 31213501 (cited by Women's Health and Genetics/Laboratory Corporation of America, LabCorp).